The following is an entry in ClinVar:

ClinVar aggregate classification (germline): Benign/Likely benign. Review status: criteria provided, multiple submitters, no conflicts (2 of 4 stars). 3 submissions from 3 submitters: Benign (1); Likely benign (2). Last evaluated 2026-01-28.

Conditions:
Hyperprolinemia type 2 (HYRPRO2). Also called: Deficiency of pyrroline-5-carboxylate reductase; 1-PYRROLINE-5-CARBOXYLATE DEHYDROGENASE DEFICIENCY; Delta-1-pyrroline-5-carboxylate dehydrogenase deficiency. Identifiers: Orphanet 79101, MedGen C2931835, MONDO:0009401, OMIM 239510.

Allele frequency attached by ClinVar (database versions not stated): 1000 Genomes Project 0.01298; 1000 Genomes Project 30x 0.01390; TOPMed 0.02343; ESP Exome Variant Server 0.02623; ExAC 0.04622.
gnomAD v4.1: 49,366 of 1,594,862 alleles (3.1%); highest among the groups gnomAD compares: Non-Finnish European, 3.6%; 865 homozygotes.

Submissions (3):

Labcorp Genetics (formerly Invitae), Labcorp
Classification: Benign for Hyperprolinemia type 2. Last evaluated: 2026-01-28. Review status: criteria provided, single submitter. Criteria: Invitae Variant Classification Sherloc (09022015). Collection method: clinical testing. Allele origin: germline.

Illumina Laboratory Services, Illumina
Classification: Likely benign for Hyperprolinemia type 2. Last evaluated: 2018-01-12. Review status: criteria provided, single submitter. Criteria: ICSL Variant Classification Criteria 13 December 2019. Collection method: clinical testing. Allele origin: germline.
Comment: This variant was observed in the ICSL laboratory as part of a predisposition screen in an ostensibly healthy population. It had not been previously curated by ICSL or reported in the Human Gene Mutation Database (HGMD: prior to June 1st, 2018), and was therefore a candidate for classification through an automated scoring system. Utilizing variant allele frequency, disease prevalence and penetrance estimates, and inheritance mode, an automated score was calculated to assess if this variant is too frequent to cause the disease. Based on the score and internal cut-off values, a variant classified as likely benign is not then subjected to further curation. The score for this variant resulted in a classification of likely benign for this disease.

Breakthrough Genomics
Classification: Likely benign. Review status: criteria provided, single submitter. Criteria: ACMG Guidelines, 2015. Collection method: not provided. Allele origin: germline. Inheritance: Autosomal recessive inheritance. Affected: yes.

NM_003748.4(ALDH4A1):c.1086G>A (p.Pro362=)

Gene: ALDH4A1 (aldehyde dehydrogenase 4 family member A1; minus strand). Cytogenetic location: 1p36.13.
Variant type: single nucleotide variant.
Coding change: c.1086G>A on transcript NM_003748.4 (MANE Select); coding-DNA position 1086, G replaced by A.
Protein change: p.Pro362=; no amino-acid change (proline 362 retained).
Molecular consequence: synonymous variant.
Genome position (GRCh38, 1-based): chr1:18,877,467, C>T on the plus strand (G>A on the coding strand, the complement: ALDH4A1 is on the minus strand). VCF-style: chr1-18877467-C-T. GRCh37 (hg19) VCF-style: chr1-19203961-C-T.
Other names: c.906G>A, p.Pro302= (NM_001161504.2); c.1086G>A, p.Pro362= (NM_001319218.2, NM_170726.3).
Identifiers: ClinVar variation 471326 (VCV000471326.15), dbSNP rs41310410, ClinGen allele CA647079.
Genomic context (GRCh38, chr1:18,877,467, plus strand): 5'-GCCACTCACGTCGCCCACTTTGATCCGACTGTGCTCCTCCAGCAGCCGCCCTTTGATCTG[C>T]GGCCACAGCGAGTGCGGCACGTAGAGACGCGAGCACGCGGAACACTTCTGGCCACCGTAC-3'
Protein context (NP_003739.2, residues 352-372): SRLYVPHSLW[Pro362=]QIKGRLLEEH